The following is an entry in ClinVar:

ClinVar aggregate classification (germline): Conflicting classifications of pathogenicity. Review status: criteria provided, conflicting classifications (1 of 4 stars). 21 submissions from 20 submitters: Uncertain significance (1); Benign (10); Likely benign (7). 3 of the submissions do not count toward it. Last evaluated 2026-05-01.

Conditions:
Cardiovascular phenotype. Identifiers: MedGen CN230736.
Left ventricular noncompaction 10 (LVNC10). Identifiers: Orphanet 154, Orphanet 54260, MedGen C3715165, MONDO:0014163, OMIM 615396.
Cardiomyopathy (CMYO). Also called: Cardiomyopathies. Identifiers: Orphanet 167848, MedGen C0878544, MONDO:0004994, HP:0001638. Inheritance: Various modes of inheritance.
Hypertrophic cardiomyopathy 4. Also called: Familial hypertrophic cardiomyopathy 4. Identifiers: MedGen C1861862, MONDO:0007268, OMIM 115197.
Hypertrophic cardiomyopathy. Also called: HYPERTROPHIC MYOCARDIOPATHY. Identifiers: Orphanet 217569, MedGen C0007194, MeSH D002312, MONDO:0005045, HP:0001639.

Allele frequency attached by ClinVar (database versions not stated): gnomAD exomes 0.00129; ExAC 0.00140; gnomAD 0.00156 and 0.00176; TOPMed 0.00168; ESP Exome Variant Server 0.00221.
gnomAD v4.1: 3,681 of 1,606,378 alleles (0.23%); highest among the groups gnomAD compares: Non-Finnish European, 0.3%; 10 homozygotes.

Submissions (21):

CeGaT Center for Human Genetics Tuebingen
Classification: Likely benign. Last evaluated: 2026-05-01. Review status: criteria provided, single submitter. Criteria: CeGaT Center For Human Genetics Tuebingen Variant Classification Criteria Version 2. Collection method: clinical testing. Allele origin: germline. Affected: yes. Observed: 11 variant alleles.
Comment: MYBPC3: BP4, BP7

Labcorp Genetics (formerly Invitae), Labcorp
Classification: Benign for Hypertrophic cardiomyopathy. Last evaluated: 2026-02-01. Review status: criteria provided, single submitter. Criteria: Invitae Variant Classification Sherloc (09022015). Collection method: clinical testing. Allele origin: germline.

Athena Diagnostics
Classification: Benign. Last evaluated: 2025-09-25. Review status: criteria provided, single submitter. Criteria: Athena Diagnostics Criteria. Collection method: clinical testing. Allele origin: unknown.
Comment: The frequency of this variant in the general population is higher than would generally be expected for pathogenic variants in this gene.

ARUP Laboratories, Molecular Genetics and Genomics, ARUP Laboratories
Classification: Benign. Last evaluated: 2025-04-24. Review status: criteria provided, single submitter. Criteria: ARUP Molecular Germline Variant Investigation Process 2024. Collection method: clinical testing. Allele origin: germline.

Molecular Diagnostic Laboratory for Inherited Cardiovascular Disease, Montreal Heart Institute
Classification: Benign. Last evaluated: 2025-04-09. Review status: criteria provided, single submitter. Criteria: ACMG Guidelines, 2015. Collection method: clinical testing. Allele origin: germline. Affected: no.

Mayo Clinic Laboratories, Mayo Clinic
Classification: Benign. Last evaluated: 2024-12-31. Review status: criteria provided, single submitter. Criteria: ACMG Guidelines, 2015. Collection method: clinical testing. Allele origin: germline. Observed: 13 variant alleles.
Comment: BA1, BP4, BP7

Blueprint Genetics
Classification: Likely benign. Last evaluated: 2024-10-14. Review status: criteria provided, single submitter. Criteria: ACMG Guidelines, 2015. Collection method: clinical testing. Allele origin: germline.

All of Us Research Program, National Institutes of Health
Classification: Likely benign for Hypertrophic cardiomyopathy. Last evaluated: 2024-02-05. Review status: criteria provided, single submitter. Criteria: ACMG Guidelines, 2015. Collection method: clinical testing. Allele origin: germline. Inheritance: Autosomal dominant inheritance. Observed: 460 variant alleles, 459 heterozygotes, 1 homozygote.
Comment: This study involves interpretation of variants in research participants for the purpose of population health screening. Participant phenotype was not available at the time of variant classification. Additional details can be found in publication PMID: 35346344, PMCID: PMC8962531

CHEO Genetics Diagnostic Laboratory, Children's Hospital of Eastern Ontario
Classification: Benign for Cardiomyopathy. Last evaluated: 2019-02-22. Review status: criteria provided, single submitter. Criteria: ACMG Guidelines, 2015. Collection method: clinical testing. Allele origin: germline.

Color Diagnostics, LLC DBA Color Health
Classification: Likely benign for Cardiomyopathy. Last evaluated: 2018-03-05. Review status: criteria provided, single submitter. Criteria: ACMG Guidelines, 2015. Collection method: clinical testing. Allele origin: germline.

Illumina Laboratory Services, Illumina
Classification: Benign for Left ventricular noncompaction 10. Last evaluated: 2018-01-13. Review status: criteria provided, single submitter. Criteria: ICSL Variant Classification Criteria 13 December 2019. Collection method: clinical testing. Allele origin: germline.
Comment: This variant was observed in the ICSL laboratory as part of a predisposition screen in an ostensibly healthy population. It had not been previously curated by ICSL or reported in the Human Gene Mutation Database (HGMD: prior to June 1st, 2018), and was therefore a candidate for classification through an automated scoring system. Utilizing variant allele frequency, disease prevalence and penetrance estimates, and inheritance mode, an automated score was calculated to assess if this variant is too frequent to cause the disease. Based on the score and internal cut-off values, a variant classified as benign is not then subjected to further curation. The score for this variant resulted in a classification of benign for this disease.

Illumina Laboratory Services, Illumina
Classification: Uncertain significance for Hypertrophic cardiomyopathy 4. Last evaluated: 2018-01-13. Review status: criteria provided, single submitter. Criteria: ICSL Variant Classification Criteria 13 December 2019. Collection method: clinical testing. Allele origin: germline.

Laboratory for Molecular Medicine, Mass General Brigham Personalized Medicine
Classification: Likely benign. Last evaluated: 2016-08-10. Review status: criteria provided, single submitter. Criteria: LMM Criteria. Collection method: clinical testing. Allele origin: germline. Observed: 28 variant alleles.
Comment: p.Ala536Ala in exon 17 of MYBPC3: This variant is not expected to have clinical significance because it does not alter an amino acid residue and is not located within the splice consensus sequence. It has been identified in 0.2% (136/58522) of European American chromosomes by the Exome Aggregation Consortium (ExAC; dbSNP rs200224422).

Clinical Genetics DNA and cytogenetics Diagnostics Lab, Erasmus MC, Erasmus Medical Center
Classification: Benign for Hypertrophic cardiomyopathy 4. Last evaluated: 2015-09-21. Review status: criteria provided, single submitter. Criteria: ACGS Guidelines, 2013. Collection method: clinical testing. Allele origin: germline. Affected: yes. Study: VKGL Data-share Consensus.

Ambry Genetics
Classification: Likely benign for Cardiovascular phenotype. Last evaluated: 2015-08-19. Review status: criteria provided, single submitter. Criteria: Ambry Variant Classification Scheme 2023. Collection method: clinical testing. Allele origin: germline.

GeneDx
Classification: Benign. Last evaluated: 2015-03-03. Review status: criteria provided, single submitter. Criteria: GeneDx Variant Classification Process June 2021. Collection method: clinical testing. Allele origin: germline. Affected: yes.

Genome Diagnostics Laboratory, University Medical Center Utrecht
Classification: Benign for Hypertrophic cardiomyopathy 4. Last evaluated: 2014-10-10. Review status: criteria provided, single submitter. Criteria: ACGS Guidelines, 2013. Collection method: clinical testing. Allele origin: germline. Affected: yes. Study: VKGL Data-share Consensus.

PreventionGenetics, part of Exact Sciences
Classification: Likely benign. Review status: criteria provided, single submitter. Criteria: ACMG Guidelines, 2015. Collection method: clinical testing. Allele origin: germline.

Clinical Genetics, Academic Medical Center
Classification: Benign. Review status: no assertion criteria provided. Collection method: clinical testing. Allele origin: germline. Affected: yes. Study: VKGL Data-share Consensus. Not counted in ClinVar's aggregate classification.

Diagnostic Laboratory, Department of Genetics, University Medical Center Groningen
Classification: Likely benign for Hypertrophic cardiomyopathy 4. Review status: no assertion criteria provided. Collection method: clinical testing. Allele origin: germline. Affected: yes. Study: VKGL Data-share Consensus. Not counted in ClinVar's aggregate classification.

Joint Genome Diagnostic Labs from Nijmegen and Maastricht, Radboudumc and MUMC+
Classification: Benign. Review status: no assertion criteria provided. Collection method: clinical testing. Allele origin: germline. Affected: yes. Study: VKGL Data-share Consensus. Not counted in ClinVar's aggregate classification.

Literature cited by the submitters: PubMed 22194935 (cited by Athena Diagnostics and Laboratory for Molecular Medicine, Mass General Brigham Personalized Medicine).

NM_000256.3(MYBPC3):c.1608T>A (p.Ala536=)

Gene: MYBPC3 (myosin binding protein C3; minus strand). Cytogenetic location: 11p11.2.
Variant type: single nucleotide variant.
Coding change: c.1608T>A on transcript NM_000256.3 (MANE Select); coding-DNA position 1608, T replaced by A.
Protein change: p.Ala536=; no amino-acid change (alanine 536 retained).
Molecular consequence: synonymous variant.
Genome position (GRCh38, 1-based): chr11:47,342,594, A>T on the plus strand (T>A on the coding strand, the complement: MYBPC3 is on the minus strand). VCF-style: chr11-47342594-A-T. GRCh37 (hg19) VCF-style: chr11-47364145-A-T.
Other names: p.Ala536=.
Identifiers: ClinVar variation 42549 (VCV000042549.78), dbSNP rs200224422, ClinGen allele CA010731.